The following is an entry in ClinVar:

ClinVar aggregate classification (germline): Benign/Likely benign. Review status: criteria provided, multiple submitters, no conflicts (2 of 4 stars). 3 submissions from 3 submitters: Benign (1); Likely benign (2). Last evaluated 2024-10-15.

Conditions:
Hereditary cancer-predisposing syndrome. Also called: Tumor predisposition; Neoplastic Syndromes, Hereditary; Hereditary Cancer Syndrome; Hereditary neoplastic syndrome. Identifiers: Orphanet 140162, MedGen C0027672, MeSH D009386, MONDO:0015356.
Hereditary diffuse gastric adenocarcinoma (HDGC). Also called: DIFFUSE GASTRIC AND LOBULAR BREAST CANCER SYNDROME. Identifiers: Orphanet 26106, MedGen C1708349, MONDO:0007648, OMIM 137215.

Allele frequency attached by ClinVar (database versions not stated): gnomAD exomes below 0.00001.
gnomAD v4.1: 1 of 1,614,018 alleles (0.000062%); highest among the groups gnomAD compares: South Asian, 0.0011%; no homozygotes.

Submissions (3):

Myriad Genetics, Inc.
Classification: Benign for Hereditary diffuse gastric adenocarcinoma. Last evaluated: 2024-10-15. Review status: criteria provided, single submitter. Criteria: Myriad Autosomal Dominant, Autosomal Recessive and X-Linked Classification Criteria (2023). Collection method: clinical testing. Allele origin: unknown.
Comment: This variant is considered benign. This variant is a silent/synonymous amino acid change and it is not expected to impact splicing.

Labcorp Genetics (formerly Invitae), Labcorp
Classification: Likely benign. Last evaluated: 2024-08-12. Review status: criteria provided, single submitter. Criteria: Invitae Variant Classification Sherloc (09022015). Collection method: clinical testing. Allele origin: germline.

Ambry Genetics
Classification: Likely benign for Hereditary cancer-predisposing syndrome. Last evaluated: 2022-07-23. Review status: criteria provided, single submitter. Criteria: Ambry Variant Classification Scheme 2023. Collection method: clinical testing. Allele origin: germline.

NM_001903.5(CTNNA1):c.2262C>T (p.Ser754=)

Gene: CTNNA1 (catenin alpha 1; plus strand). Cytogenetic location: 5q31.2.
Variant type: single nucleotide variant.
Coding change: c.2262C>T on transcript NM_001903.5 (MANE Select); coding-DNA position 2262, C replaced by T.
Protein change: p.Ser754=; no amino-acid change (serine 754 retained).
Molecular consequence: synonymous variant.
Genome position (GRCh38, 1-based): chr5:138,930,899, C>T. VCF-style: chr5-138930899-C-T. GRCh37 (hg19) VCF-style: chr5-138266588-C-T.
Other names: c.2262C>T, p.Ser754= (NM_001290307.3, NM_001323982.2, NM_001323983.1 and 2 more transcripts); c.1953C>T, p.Ser651= (NM_001290309.3); c.1893C>T, p.Ser631= (NM_001290310.3); c.1152C>T, p.Ser384= (NM_001290312.1, NM_001323987.1, NM_001323988.1 and 17 more transcripts); c.2169C>T, p.Ser723= (NM_001323986.2); c.813C>T, p.Ser271= (NM_001324006.1, NM_001324007.1, NM_001324008.1 and 2 more transcripts); c.1059C>T, p.Ser353= (NM_001324011.1); c.909C>T, p.Ser303= (NM_001324012.1, NM_001324013.1).
Identifiers: ClinVar variation 1788654 (VCV001788654.6), dbSNP rs1035837951, ClinGen allele CA128222280.